The following is an entry in ClinVar:

NM_018417.6(ADCY10):c.4220A>G (p.Glu1407Gly)

Gene: ADCY10 (adenylate cyclase 10; minus strand). Cytogenetic location: 1q24.2.
Variant type: single nucleotide variant.
Coding change: c.4220A>G on transcript NM_018417.6 (MANE Select); coding-DNA position 4220, A replaced by G.
Protein change: p.Glu1407Gly; replaces glutamic acid 1407 with glycine.
Molecular consequence: missense variant.
Genome position (GRCh38, 1-based): chr1:167,822,090, T>C on the plus strand (A>G on the coding strand, the complement: ADCY10 is on the minus strand). VCF-style: chr1-167822090-T-C. GRCh37 (hg19) VCF-style: chr1-167791328-T-C.
Other names: c.3761A>G, p.Glu1254Gly (NM_001167749.3); c.3944A>G, p.Glu1315Gly (NM_001297772.2); short protein forms E1315G, E1407G, E1254G.
Identifiers: ClinVar variation 2069519 (VCV002069519.10), dbSNP rs61737676, ClinGen allele CA1227109.

ClinVar aggregate classification (germline): Likely benign. Review status: criteria provided, multiple submitters, no conflicts (2 of 4 stars). 3 submissions from 3 submitters: Likely benign (2). 1 of the submissions does not count toward it. Last evaluated 2026-03-01.

Conditions:
ADCY10-related disorder. Also called: ADCY10-related condition.

Allele frequency attached by ClinVar (database versions not stated): gnomAD exomes 0.00015; ExAC 0.00049; 1000 Genomes Project 30x 0.00094; 1000 Genomes Project 0.00100; gnomAD 0.00151; TOPMed 0.00168; ESP Exome Variant Server 0.00177.
gnomAD v4.1: 463 of 1,610,802 alleles (0.029%); highest among the groups gnomAD compares: African/African-American, 0.56%; no homozygotes.

Submissions (3):

CeGaT Center for Human Genetics Tuebingen
Classification: Likely benign. Last evaluated: 2026-03-01. Review status: criteria provided, single submitter. Criteria: CeGaT Center For Human Genetics Tuebingen Variant Classification Criteria Version 2. Collection method: clinical testing. Allele origin: germline. Affected: yes. Observed: 2 variant alleles.
Comment: ADCY10: BP4

Labcorp Genetics (formerly Invitae), Labcorp
Classification: Likely benign. Last evaluated: 2025-12-08. Review status: criteria provided, single submitter. Criteria: Invitae Variant Classification Sherloc (09022015). Collection method: clinical testing. Allele origin: germline.

PreventionGenetics, part of Exact Sciences
Classification: Benign for ADCY10-related condition. Last evaluated: 2019-08-02. Review status: no assertion criteria provided. Collection method: clinical testing. Allele origin: germline. Not counted in ClinVar's aggregate classification.
Comment: This variant is classified as benign based on ACMG/AMP sequence variant interpretation guidelines (Richards et al. 2015 PMID: 25741868, with internal and published modifications).